The following is an entry in ClinVar:

ClinVar aggregate classification (germline): Uncertain significance (1 of 4 stars; one submission).

Submission:

Labcorp Genetics (formerly Invitae), Labcorp
Classification: Uncertain significance. Last evaluated: 2025-11-24. Review status: criteria provided, single submitter. Criteria: Invitae Variant Classification Sherloc (09022015). Collection method: clinical testing. Allele origin: germline.
Comment: This sequence change replaces asparagine, which is neutral and polar, with isoleucine, which is neutral and non-polar, at codon 1017 of the AP3D1 protein (p.Asn1017Ile). This variant is not present in population databases (gnomAD no frequency). This variant has not been reported in the literature in individuals affected with AP3D1-related conditions. An algorithm developed to predict the effect of missense changes on protein structure and function (PolyPhen-2) suggests that this variant is likely to be tolerated. In summary, the available evidence is currently insufficient to determine the role of this variant in disease. Therefore, it has been classified as a Variant of Uncertain Significance.

NM_001261826.3(AP3D1):c.3050A>T (p.Asn1017Ile)

Gene: AP3D1 (adaptor related protein complex 3 subunit delta 1; minus strand). Cytogenetic location: 19p13.3.
Variant type: single nucleotide variant.
Coding change: c.3050A>T on transcript NM_001261826.3 (MANE Select); coding-DNA position 3050, A replaced by T.
Protein change: p.Asn1017Ile; replaces asparagine 1017 with isoleucine.
Molecular consequence: missense variant.
Genome position (GRCh38, 1-based): chr19:2,110,832, T>A on the plus strand (A>T on the coding strand, the complement: AP3D1 is on the minus strand). VCF-style: chr19-2110832-T-A. GRCh37 (hg19) VCF-style: chr19-2110831-T-A.
Other names: c.3014A>T, p.Asn1005Ile (NM_001374799.1); c.2864A>T, p.Asn955Ile (NM_003938.8); short protein forms N1005I, N1017I, N955I.
Identifiers: ClinVar variation 4809454 (VCV004809454.1).